The following is an entry in ClinVar:

ClinVar aggregate classification (germline): Pathogenic/Likely pathogenic. Review status: criteria provided, multiple submitters, no conflicts (2 of 4 stars). 5 submissions from 5 submitters: Pathogenic (2); Likely pathogenic (2). 1 of the submissions does not count toward it. Last evaluated 2026-01-19.

Conditions:
Methylmalonic aciduria due to complete methylmalonyl-CoA mutase deficiency.
Methylmalonic aciduria due to methylmalonyl-CoA mutase deficiency (MAMM). Also called: Methylmalonic aciduria, mut type. Identifiers: Orphanet 27, MedGen C1855114, MONDO:0009612, OMIM 251000.

Allele frequency attached by ClinVar (database versions not stated): gnomAD 0.00001; gnomAD exomes 0.00005; ExAC 0.00006; TOPMed 0.00006.
gnomAD v4.1: 33 of 1,613,992 alleles (0.002%); highest among the groups gnomAD compares: East Asian, 0.02%; no homozygotes.

Submissions (5):

Labcorp Genetics (formerly Invitae), Labcorp
Classification: Pathogenic. Last evaluated: 2026-01-19. Review status: criteria provided, single submitter. Criteria: Invitae Variant Classification Sherloc (09022015). Collection method: clinical testing. Allele origin: germline.
Comment: This sequence change replaces arginine, which is basic and polar, with glutamine, which is neutral and polar, at codon 403 of the MUT protein (p.Arg403Gln). This variant is present in population databases (rs774457503, gnomAD 0.05%). This missense change has been observed in individual(s) with methylmalonic acidemia (PMID: 23430940, 34668645, 38128819). In at least one individual the data is consistent with being in trans (on the opposite chromosome) from a pathogenic variant. ClinVar contains an entry for this variant (Variation ID: 550461). Invitae Evidence Modeling of protein sequence and biophysical properties (such as structural, functional, and spatial information, amino acid conservation, physicochemical variation, residue mobility, and thermodynamic stability) has been performed for this missense variant. However, the output from this modeling did not meet the statistical confidence thresholds required to predict the impact of this variant on MUT protein function. For these reasons, this variant has been classified as Pathogenic.

Natera, Inc.
Classification: Likely pathogenic for Methylmalonic aciduria due to complete methylmalonyl-CoA mutase deficiency. Last evaluated: 2025-08-29. Review status: criteria provided, single submitter. Criteria: Natera Variant Classification Schema (03/2026). Collection method: clinical testing. Allele origin: germline.
Comment: The c.1208G>A variant in MMUT is a missense variant predicted to cause substitution of arginine to glutamine at amino acid 403. This variant is rare in the general population with a frequency below the threshold expected for the associated phenotype(s). This variant has been observed in one or more individuals affected with the associated recessive disease, as either homozygous or compound heterozygous with a second variant (PMID: 34668645, 38128819). This variant has been identified in one or more affected individuals with a phenotype highly consistent with the associated gene (PMID: 34668645). Computational prediction algorithms indicate this variant is likely to affect gene or protein function. Given the available evidence, this variant is classified as Likely Pathogenic.

Myriad Genetics, Inc.
Classification: Likely pathogenic for Methylmalonic aciduria due to methylmalonyl-CoA mutase deficiency. Last evaluated: 2025-06-19. Review status: criteria provided, single submitter. Criteria: Myriad Autosomal Dominant, Autosomal Recessive and X-Linked Classification Criteria (2023). Collection method: clinical testing. Allele origin: unknown.
Comment: NM_000255.3(MMUT):c.1208G>A(R403Q) is a missense variant classified as likely pathogenic in the context of methylmalonic acidemia, MMUT-related. R403Q has been observed in cases with relevant disease (PMID: 38128819, 34668645, Deng_2020_(Article)). Relevant functional assessments of this variant are not available in the literature. R403Q has been observed in referenced population frequency databases. In summary, NM_000255.3(MMUT):c.1208G>A(R403Q) is a missense variant that has been observed more frequently in cases with the relevant disease than in healthy populations.. Please note: this variant was assessed in the context of healthy population screening.

Juno Genomics, Hangzhou Juno Genomics, Inc
Classification: Pathogenic for Methylmalonic aciduria due to methylmalonyl-CoA mutase deficiency. Review status: criteria provided, single submitter. Criteria: ACMG Guidelines, 2015. Collection method: clinical testing. Allele origin: germline.
Comment: Absent from controls (or at extremely low frequency if recessive) in Genome Aggregation Database.;Multiple lines of computational evidence support a deleterious effect on the gene or gene product.;For recessive disorders, detected in trans with a pathogenic variant.;Patient's phenotype or family history is highly specific for a disease with a single genetic etiology.

Counsyl
Classification: Uncertain significance for Methylmalonic aciduria due to methylmalonyl-CoA mutase deficiency. Last evaluated: 2017-01-17. Review status: no assertion criteria provided. Collection method: clinical testing. Allele origin: unknown. Not counted in ClinVar's aggregate classification.

Literature cited by the submitters: PubMed 23430940 (cited by Labcorp Genetics (formerly Invitae), Labcorp and Counsyl); PubMed 34668645 (cited by Labcorp Genetics (formerly Invitae), Labcorp and Natera, Inc.); PubMed 38128819 (cited by Labcorp Genetics (formerly Invitae), Labcorp and Natera, Inc.).

NM_000255.4(MMUT):c.1208G>A (p.Arg403Gln)

Gene: MMUT (methylmalonyl-CoA mutase; minus strand). Cytogenetic location: 6p12.3.
Variant type: single nucleotide variant.
Coding change: c.1208G>A on transcript NM_000255.4 (MANE Select); coding-DNA position 1208, G replaced by A.
Protein change: p.Arg403Gln; replaces arginine 403 with glutamine.
Molecular consequence: missense variant.
Genome position (GRCh38, 1-based): chr6:49,451,590, C>T on the plus strand (G>A on the coding strand, the complement: MMUT is on the minus strand). VCF-style: chr6-49451590-C-T. GRCh37 (hg19) VCF-style: chr6-49419303-C-T.
Other names: short protein forms R403Q.
Identifiers: ClinVar variation 550461 (VCV000550461.7), dbSNP rs774457503, ClinGen allele CA3846941.